The following is an entry in ClinVar:

ClinVar aggregate classification (germline): Uncertain significance (0 of 4 stars; one submission).

Conditions:
RFX7-related disorder. Also called: RFX7-related condition.

gnomAD v4.1: 2 of 1,589,382 alleles (0.00013%); highest among the groups gnomAD compares: Non-Finnish European, 0.00017%; no homozygotes.

Submission:

PreventionGenetics, part of Exact Sciences
Classification: Uncertain significance for RFX7-related condition. Last evaluated: 2024-05-03. Review status: no assertion criteria provided. Collection method: clinical testing. Allele origin: germline.
Comment: The RFX7 c.1133C>G variant is predicted to result in the amino acid substitution p.Thr378Ser. To our knowledge, this variant has not been reported in the literature. This variant is reported in 0.0011% of alleles in individuals of European (Non-Finnish) descent in gnomAD. At this time, the clinical significance of this variant is uncertain due to the absence of conclusive functional and genetic evidence.

NM_022841.7(RFX7):c.1133C>G (p.Thr378Ser)

Gene: RFX7 (regulatory factor X7; minus strand). Cytogenetic location: 15q21.3.
Variant type: single nucleotide variant.
Coding change: c.1133C>G on transcript NM_022841.7 (MANE Select); coding-DNA position 1133, C replaced by G.
Protein change: p.Thr378Ser; replaces threonine 378 with serine.
Molecular consequence: missense variant.
Genome position (GRCh38, 1-based): chr15:56,096,595, G>C on the plus strand (C>G on the coding strand, the complement: RFX7 is on the minus strand). VCF-style: chr15-56096595-G-C. GRCh37 (hg19) VCF-style: chr15-56388793-G-C.
Other names: c.842C>G, p.Thr281Ser (NM_001368073.2, NM_001368074.1, NM_001370554.1); c.1133C>G, p.Thr378Ser (NM_001370561.1); short protein forms T281S, T378S.
Identifiers: ClinVar variation 3347929 (VCV003347929.1).
Genomic context (GRCh38, chr15:56,096,595, plus strand): 5'-ACCACCTGTACATTGAGGGGAAGAACTTTGCCGTCAGAAGAACTCATTGGACTCGGTGAA[G>C]TTACCAATTGCCTAGTCCGCTGGACCTGTTAAAAGATAGCAAAAAATCAGATTTAACAGG-3'
Protein context (NP_073752.6, residues 368-388): IPVQRTRQLV[Thr378Ser]SPSPMSSSDG